The following is an entry in ClinVar:

NM_000093.5(COL5A1):c.2375G>A (p.Arg792Gln)

Gene: COL5A1 (collagen type V alpha 1 chain; plus strand). Cytogenetic location: 9q34.3.
Variant type: single nucleotide variant.
Coding change: c.2375G>A on transcript NM_000093.5 (MANE Select); coding-DNA position 2375, G replaced by A.
Protein change: p.Arg792Gln; replaces arginine 792 with glutamine.
Molecular consequence: missense variant.
Genome position (GRCh38, 1-based): chr9:134,774,902, G>A. VCF-style: chr9-134774902-G-A. GRCh37 (hg19) VCF-style: chr9-137666748-G-A.
Other names: c.2375G>A, p.Arg792Gln (NM_001278074.1); short protein forms R792Q.
Identifiers: ClinVar variation 2914796 (VCV002914796.3), dbSNP rs1035858539, ClinGen allele CA201101251.

ClinVar aggregate classification (germline): Uncertain significance (1 of 4 stars; one submission).

Conditions:
Ehlers-Danlos syndrome, classic type, 1 (EDSCL1). Also called: EDS I; EHLERS-DANLOS SYNDROME, GRAVIS TYPE; EHLERS-DANLOS SYNDROME, SEVERE CLASSIC TYPE; Ehlers-Danlos syndrome, type 1; Ehlers-Danlos Syndrome, Classic Type, COL5A1-Related. Identifiers: MedGen C0268335, MONDO:0019567, OMIM 130000.

Allele frequency attached by ClinVar (database versions not stated): gnomAD 0.00001; gnomAD exomes 0.00001; TOPMed 0.00001.
gnomAD v4.1: 16 of 1,613,458 alleles (0.00099%); highest among the groups gnomAD compares: Non-Finnish European, 0.0014%; no homozygotes.

Submission:

Labcorp Genetics (formerly Invitae), Labcorp
Classification: Uncertain significance for Ehlers-Danlos syndrome, classic type, 1. Last evaluated: 2024-05-04. Review status: criteria provided, single submitter. Criteria: Invitae Variant Classification Sherloc (09022015). Collection method: clinical testing. Allele origin: germline.
Comment: This sequence change replaces arginine, which is basic and polar, with glutamine, which is neutral and polar, at codon 792 of the COL5A1 protein (p.Arg792Gln). This variant is present in population databases (no rsID available, gnomAD 0.0009%). This variant has not been reported in the literature in individuals affected with COL5A1-related conditions. Advanced modeling of protein sequence and biophysical properties (such as structural, functional, and spatial information, amino acid conservation, physicochemical variation, residue mobility, and thermodynamic stability) has been performed at Invitae for this missense variant, however the output from this modeling did not meet the statistical confidence thresholds required to predict the impact of this variant on COL5A1 protein function. In summary, the available evidence is currently insufficient to determine the role of this variant in disease. Therefore, it has been classified as a Variant of Uncertain Significance.